The following is an entry in ClinVar:

NC_000023.10:g.(?_122318388)_(123505241_?)dup

Genes: GRIA3 (glutamate ionotropic receptor AMPA type subunit 3; plus strand), SH2D1A (SH2 domain containing 1A; plus strand), STAG2 (STAG2 cohesin complex component; plus strand), THOC2 (THO complex subunit 2; minus strand), XIAP (X-linked inhibitor of apoptosis; plus strand). Cytogenetic location: Xq25.
Variant type: Duplication.
Identifiers: ClinVar variation 2423412 (VCV002423412.3).

ClinVar aggregate classification (germline): Uncertain significance (1 of 4 stars; one submission).

Submission:

Labcorp Genetics (formerly Invitae), Labcorp
Classification: Uncertain significance. Last evaluated: 2022-06-04. Review status: criteria provided, single submitter. Criteria: Invitae Variant Classification Sherloc (09022015). Collection method: clinical testing. Allele origin: germline.
Comment: A copy number gain of the genomic region encompassing the full coding sequence of the GRIA3 gene has been identified. The boundaries of this event are unknown as they extend beyond the assayed region for this gene and therefore may encompass additional genes. As the precise location of this event is unknown, it may be in tandem or it may be located elsewhere in the genome. This variant has not been reported in the literature in individuals affected with GRIA3-related conditions. In summary, the available evidence is currently insufficient to determine the role of this variant in disease. Therefore, it has been classified as a Variant of Uncertain Significance.